The following is an entry in ClinVar:

NM_006231.4(POLE):c.595G>A (p.Gly199Ser)

Gene: POLE (DNA polymerase epsilon, catalytic subunit; minus strand). Cytogenetic location: 12q24.33.
Variant type: single nucleotide variant.
Coding change: c.595G>A on transcript NM_006231.4 (MANE Select); coding-DNA position 595, G replaced by A.
Protein change: p.Gly199Ser; replaces glycine 199 with serine.
Molecular consequence: missense variant.
Genome position (GRCh38, 1-based): chr12:132,677,703, C>T on the plus strand (G>A on the coding strand, the complement: POLE is on the minus strand). VCF-style: chr12-132677703-C-T. GRCh37 (hg19) VCF-style: chr12-133254289-C-T.
Other names: short protein forms G199S.
Identifiers: ClinVar variation 540826 (VCV000540826.20), dbSNP rs776540681, ClinGen allele CA6894257.

ClinVar aggregate classification (germline): Conflicting classifications of pathogenicity. Review status: criteria provided, conflicting classifications (1 of 4 stars). 6 submissions from 6 submitters: Uncertain significance (5); Likely benign (1). Last evaluated 2026-08-06.

Conditions:
Colorectal cancer, susceptibility to, 12 (CRCS12). Also called: COLORECTAL CANCER, SUSCEPTIBILITY TO, ON CHROMOSOME 12q24. Identifiers: Orphanet 220460, MedGen C3554460, MONDO:0014038, OMIM 615083.
Facial dysmorphism-immunodeficiency-livedo-short stature syndrome. Also called: Facial dysmorphism, immunodeficiency, livedo, and short stature; FILS syndrome. Identifiers: Orphanet 352712, MedGen C3554576, MONDO:0014058, OMIM 615139.
Intrauterine growth retardation, metaphyseal dysplasia, adrenal hypoplasia congenita, genital anomalies, and immunodeficiency. Also called: IMAGEI SYNDROME. Identifiers: MedGen C5193036, MONDO:0032684, OMIM 618336.
Hereditary cancer-predisposing syndrome. Also called: Neoplastic Syndromes, Hereditary; Tumor predisposition; Hereditary Cancer Syndrome; Hereditary neoplastic syndrome. Identifiers: Orphanet 140162, MedGen C0027672, MeSH D009386, MONDO:0015356.

Allele frequency attached by ClinVar (database versions not stated): gnomAD exomes 0.00001 and below 0.00001; gnomAD 0.00001; ExAC 0.00001.
gnomAD v4.1: 6 of 1,613,892 alleles (0.00037%); highest among the groups gnomAD compares: African/African-American, 0.0027%; no homozygotes.

Submissions (6):

OLLIN Analises Genomicas, OLLIN
Classification: Uncertain significance for Colorectal cancer, susceptibility to, 12. Last evaluated: 2026-08-06. Review status: criteria provided, single submitter. Criteria: ACMG Guidelines 2015 PMID 25741868. Collection method: clinical testing. Allele origin: germline. Inheritance: Autosomal recessive inheritance.
Comment: This missense variant, located in exon 7 (of 49), has been reported in ClinVar (accession VCV001046200.9) and in gnomAD with an allele frequency of 0.00037%. However, to our knowledge, it has not been reported in the scientific literature. In silico analysis predicts that this variant has a tolerated effect. According to the currently available evidence, this variant has been classified as uncertain significance (PM2_P, BP4_M).

Labcorp Genetics (formerly Invitae), Labcorp
Classification: Uncertain significance. Last evaluated: 2025-12-23. Review status: criteria provided, single submitter. Criteria: Invitae Variant Classification Sherloc (09022015). Collection method: clinical testing. Allele origin: germline.
Comment: This sequence change replaces glycine, which is neutral and non-polar, with serine, which is neutral and polar, at codon 199 of the POLE protein (p.Gly199Ser). This variant is present in population databases (rs776540681, gnomAD 0.01%). This variant has not been reported in the literature in individuals affected with POLE-related conditions. ClinVar contains an entry for this variant (Variation ID: 540826). An algorithm developed to predict the effect of missense changes on protein structure and function outputs the following: PolyPhen-2: "Benign". The serine amino acid residue is found in multiple mammalian species, which suggests that this missense change does not adversely affect protein function. In summary, the available evidence is currently insufficient to determine the role of this variant in disease. Therefore, it has been classified as a Variant of Uncertain Significance.

GeneDx
Classification: Uncertain significance. Last evaluated: 2024-10-02. Review status: criteria provided, single submitter. Criteria: GeneDx Variant Classification Process June 2021. Collection method: clinical testing. Allele origin: germline. Affected: yes.
Comment: Not observed at significant frequency in large population cohorts (gnomAD); In silico analysis indicates that this missense variant does not alter protein structure/function; Has not been previously published as pathogenic or benign to our knowledge

Fulgent Genetics
Classification: Uncertain significance for Colorectal cancer, susceptibility to, 12; Facial dysmorphism-immunodeficiency-livedo-short stature syndrome; Intrauterine growth retardation, metaphyseal dysplasia, adrenal hypoplasia congenita, genital anomalies, and immunodeficiency. Last evaluated: 2024-04-12. Review status: criteria provided, single submitter. Criteria: ACMG Guidelines, 2015. Collection method: clinical testing. Allele origin: germline.

Ambry Genetics
Classification: Likely benign for Hereditary cancer-predisposing syndrome. Last evaluated: 2022-10-27. Review status: criteria provided, single submitter. Criteria: Ambry Variant Classification Scheme 2023. Collection method: clinical testing. Allele origin: germline.

Quest Diagnostics Nichols Institute San Juan Capistrano
Classification: Uncertain significance. Last evaluated: 2019-01-08. Review status: criteria provided, single submitter. Criteria: Quest Diagnostics criteria. Collection method: clinical testing. Allele origin: germline.